The following is an entry in ClinVar:

ClinVar aggregate classification (germline): Likely benign (1 of 4 stars; one submission).

gnomAD v4.1: 2 of 1,168,658 alleles (0.00017%); highest among the groups gnomAD compares: Admixed American, 0.0023%; no homozygotes.

Submission:

CeGaT Center for Human Genetics Tuebingen
Classification: Likely benign. Last evaluated: 2024-02-01. Review status: criteria provided, single submitter. Criteria: CeGaT Center For Human Genetics Tuebingen Variant Classification Criteria Version 2. Collection method: clinical testing. Allele origin: germline. Affected: yes. Observed: 1 variant allele.
Comment: CNKSR2: BP4, BP7

NM_014927.5(CNKSR2):c.435A>G (p.Ser145=)

Gene: CNKSR2 (connector enhancer of kinase suppressor of Ras 2; plus strand). Cytogenetic location: Xp22.12.
Variant type: single nucleotide variant.
Coding change: c.435A>G on transcript NM_014927.5 (MANE Select); coding-DNA position 435, A replaced by G.
Protein change: p.Ser145=; no amino-acid change (serine 145 retained).
Molecular consequence: synonymous variant.
Genome position (GRCh38, 1-based): chrX:21,440,697, A>G. VCF-style: chrX-21440697-A-G. GRCh37 (hg19) VCF-style: chrX-21458815-A-G.
Other names: c.435A>G, p.Ser145= (NM_001168647.3, NM_001168648.3, NM_001168649.3 and 4 more transcripts).
Identifiers: ClinVar variation 3025486 (VCV003025486.22), dbSNP rs1240294498, ClinGen allele CA515416116.
Genomic context (GRCh38, chrX:21,440,697, plus strand): 5'-TTTGGGACTTTTCAAAAGCTGTTACTAGTAATCACAATTTTCCTTTTCCCTTTATAGGTC[A>G]CCATTTGCTGCTGTGACAGACTATTCAGTTACAAGAAATAATGTCATACAACTCTGCCTG-3'
Protein context (NP_055742.2, residues 135-155): AKSLLAWLDR[Ser145=]PFAAVTDYSV